The following is an entry in ClinVar:

NM_001244008.2(KIF1A):c.283G>A (p.Ala95Thr)

Gene: KIF1A (kinesin family member 1A; minus strand). Cytogenetic location: 2q37.3.
Variant type: single nucleotide variant.
Coding change: c.283G>A on transcript NM_001244008.2 (MANE Select); coding-DNA position 283, G replaced by A.
Protein change: p.Ala95Thr; replaces alanine 95 with threonine.
Molecular consequence: missense variant.
Genome position (GRCh38, 1-based): chr2:240,788,131, C>T on the plus strand (G>A on the coding strand, the complement: KIF1A is on the minus strand). VCF-style: chr2-240788131-C-T. GRCh37 (hg19) VCF-style: chr2-241727548-C-T.
Other names: c.283G>A, p.Ala95Thr (NM_001379632.1, NM_001379633.1, NM_001379634.1 and 20 more transcripts); short protein forms A95T.
Identifiers: ClinVar variation 1377860 (VCV001377860.8), dbSNP rs1466280322, ClinGen allele CA351310373.

ClinVar aggregate classification (germline): Conflicting classifications of pathogenicity. Review status: criteria provided, conflicting classifications (1 of 4 stars). 3 submissions from 3 submitters: Likely pathogenic (1); Uncertain significance (2). Last evaluated 2026-10-21.

Conditions:
Neuropathy, hereditary sensory, type 2C. Also called: Hereditary sensory and autonomic neuropathy type IIC; KIF1A-Related HSAN2 (HSAN2C). Identifiers: Orphanet 970, MedGen C3280168, MONDO:0013634, OMIM 614213.
Intellectual disability, autosomal dominant 9 (NESCAVS). Also called: KIF1A-Related Neurodevelopmental Disorder; NESCAV SYNDROME. Identifiers: Orphanet 662367, MedGen C5393830, MONDO:0013656, OMIM 614255.
Hereditary spastic paraplegia 30. Identifiers: Orphanet 101010, MedGen C5235139, MONDO:0012476.

Submissions (3):

Institute of Medical Genetics and Applied Genomics, University Hospital Tübingen
Classification: Likely pathogenic for Intellectual disability, autosomal dominant 9. Last evaluated: 2026-10-21. Review status: criteria provided, single submitter. Criteria: ACMG Guidelines, 2015. Collection method: clinical testing. Allele origin: de novo. Inheritance: Autosomal dominant inheritance. Affected: yes.

Blueprint Genetics
Classification: Uncertain significance. Last evaluated: 2024-01-10. Review status: criteria provided, single submitter. Criteria: ACMG Guidelines, 2015. Collection method: clinical testing. Allele origin: germline.

Labcorp Genetics (formerly Invitae), Labcorp
Classification: Uncertain significance for Hereditary spastic paraplegia 30; Neuropathy, hereditary sensory, type 2C; Intellectual disability, autosomal dominant 9. Last evaluated: 2022-02-09. Review status: criteria provided, single submitter. Criteria: Invitae Variant Classification Sherloc (09022015). Collection method: clinical testing. Allele origin: germline.
Comment: This sequence change replaces alanine, which is neutral and non-polar, with threonine, which is neutral and polar, at codon 95 of the KIF1A protein (p.Ala95Thr). This variant is not present in population databases (gnomAD no frequency). This variant has not been reported in the literature in individuals affected with KIF1A-related conditions. Advanced modeling of protein sequence and biophysical properties (such as structural, functional, and spatial information, amino acid conservation, physicochemical variation, residue mobility, and thermodynamic stability) performed at Invitae indicates that this missense variant is expected to disrupt KIF1A protein function. In summary, the available evidence is currently insufficient to determine the role of this variant in disease. Therefore, it has been classified as a Variant of Uncertain Significance.